The following is an entry in ClinVar:

NM_000548.5(TSC2):c.4065G>A (p.Arg1355=)

Gene: TSC2 (TSC complex subunit 2; plus strand). Cytogenetic location: 16p13.3.
Variant type: single nucleotide variant.
Coding change: c.4065G>A on transcript NM_000548.5 (MANE Select); coding-DNA position 4065, G replaced by A.
Protein change: p.Arg1355=; no amino-acid change (arginine 1355 retained).
Molecular consequence: synonymous variant.
Genome position (GRCh38, 1-based): chr16:2,084,287, G>A. VCF-style: chr16-2084287-G-A. GRCh37 (hg19) VCF-style: chr16-2134288-G-A.
Other names: c.3864G>A, p.Arg1288= (NM_001077183.3); c.3996G>A, p.Arg1332= (NM_001114382.3); c.3756G>A, p.Arg1252= (NM_001318827.2); c.3720G>A, p.Arg1240= (NM_001318829.2); c.3333G>A, p.Arg1111= (NM_001318831.2); c.3897G>A, p.Arg1299= (NM_001318832.2); c.3867G>A, p.Arg1289= (NM_001363528.2); c.3933G>A, p.Arg1311= (NM_001370404.1); and 2 more.
Identifiers: ClinVar variation 1610243 (VCV001610243.11), dbSNP rs2151521953, ClinGen allele CA493043111.

ClinVar aggregate classification (germline): Benign/Likely benign. Review status: criteria provided, multiple submitters, no conflicts (2 of 4 stars). 3 submissions from 3 submitters: Benign (1); Likely benign (2). Last evaluated 2025-06-02.

Conditions:
Hereditary cancer-predisposing syndrome. Also called: Hereditary neoplastic syndrome; Hereditary Cancer Syndrome; Neoplastic Syndromes, Hereditary; Tumor predisposition. Identifiers: Orphanet 140162, MedGen C0027672, MeSH D009386, MONDO:0015356.
Tuberous sclerosis 2 (TSC2). Identifiers: Orphanet 805, MedGen C1860707, MONDO:0013199, OMIM 613254.

gnomAD v4.1: 2 of 1,612,288 alleles (0.00012%); highest among the groups gnomAD compares: Non-Finnish European, 0.00017%; no homozygotes.

Submissions (3):

Myriad Genetics, Inc.
Classification: Benign for Tuberous sclerosis 2. Last evaluated: 2025-06-02. Review status: criteria provided, single submitter. Criteria: Myriad Autosomal Dominant, Autosomal Recessive and X-Linked Classification Criteria (2023). Collection method: clinical testing. Allele origin: unknown.
Comment: This variant is considered benign. This variant is a silent/synonymous amino acid change and it is not expected to impact splicing.

Labcorp Genetics (formerly Invitae), Labcorp
Classification: Likely benign for Tuberous sclerosis 2. Last evaluated: 2024-11-24. Review status: criteria provided, single submitter. Criteria: Invitae Variant Classification Sherloc (09022015). Collection method: clinical testing. Allele origin: germline.

Ambry Genetics
Classification: Likely benign for Hereditary cancer-predisposing syndrome. Last evaluated: 2023-04-07. Review status: criteria provided, single submitter. Criteria: Ambry Variant Classification Scheme 2023. Collection method: clinical testing. Allele origin: germline.